The following is an entry in ClinVar:

ClinVar aggregate classification (germline): Likely benign (1 of 4 stars; one submission).

Conditions:
PLXNA3-related disorder. Also called: PLXNA3-related condition.

Submission:

PreventionGenetics, part of Exact Sciences
Classification: Likely benign for PLXNA3-related condition. Last evaluated: 2026-02-17. Review status: criteria provided, single submitter. Criteria: ACMG Guidelines, 2015. Collection method: clinical testing. Allele origin: germline.
Comment: This variant is classified as likely benign based on ACMG/AMP sequence variant interpretation guidelines (Richards et al. 2015 PMID: 25741868, with internal and published modifications).

NM_017514.5(PLXNA3):c.258T>C (p.Cys86=)

Gene: PLXNA3 (plexin A3; plus strand). Cytogenetic location: Xq28.
Variant type: single nucleotide variant.
Coding change: c.258T>C on transcript NM_017514.5 (MANE Select); coding-DNA position 258, T replaced by C.
Protein change: p.Cys86=; no amino-acid change (cysteine 86 retained).
Molecular consequence: synonymous variant.
Genome position (GRCh38, 1-based): chrX:154,460,441, T>C. VCF-style: chrX-154460441-T-C. GRCh37 (hg19) VCF-style: chrX-153688781-T-C.
Identifiers: ClinVar variation 4987188 (VCV004987188.1).
Genomic context (GRCh38, chrX:154,460,441, plus strand): 5'-TGTCACGGGGCCCGTCGAGGACAACGCTCGCTGCTACCCGCCCCCCAGCATGCGCGTGTG[T>C]GCCCACCGCCTGGCCCCCGTGGACAACATCAACAAGCTGCTGCTCATAGACTATGCGGCC-3'
Protein context (NP_059984.3, residues 76-96): RCYPPPSMRV[Cys86=]AHRLAPVDNI